The following is an entry in ClinVar:

ClinVar aggregate classification (germline): Uncertain significance (1 of 4 stars; one submission).

Submission:

Labcorp Genetics (formerly Invitae), Labcorp
Classification: Uncertain significance. Last evaluated: 2024-07-12. Review status: criteria provided, single submitter. Criteria: Invitae Variant Classification Sherloc (09022015). Collection method: clinical testing. Allele origin: germline.
Comment: This sequence change replaces glutamic acid, which is acidic and polar, with lysine, which is basic and polar, at codon 26 of the DNAJC17 protein (p.Glu26Lys). This variant is not present in population databases (gnomAD no frequency). This variant has not been reported in the literature in individuals affected with DNAJC17-related conditions. An algorithm developed to predict the effect of missense changes on protein structure and function (PolyPhen-2) suggests that this variant is likely to be disruptive. In summary, the available evidence is currently insufficient to determine the role of this variant in disease. Therefore, it has been classified as a Variant of Uncertain Significance.

NM_018163.3(DNAJC17):c.76G>A (p.Glu26Lys)

Genes: DNAJC17 (DnaJ heat shock protein family (Hsp40) member C17; minus strand), ZFYVE19 (zinc finger FYVE-type containing 19; plus strand). Cytogenetic location: 15q15.1.
Variant type: single nucleotide variant.
Coding change: c.76G>A on transcript NM_018163.3 (MANE Select); coding-DNA position 76, G replaced by A.
Protein change: p.Glu26Lys; replaces glutamic acid 26 with lysine.
Molecular consequence: missense variant. On other transcripts: 5 prime UTR variant (3).
Genome position (GRCh38, 1-based): chr15:40,807,371, C>T on the plus strand (G>A on the coding strand, the complement: DNAJC17 is on the minus strand). VCF-style: chr15-40807371-C-T. GRCh37 (hg19) VCF-style: chr15-41099569-C-T.
Other names: c.-219C>T (NM_001077268.2, NM_001258420.2); c.-547C>T (NM_001258421.2); c.83C>T, p.Ser28Phe (NM_032850.5); short protein forms S28F, E26K.
Identifiers: ClinVar variation 3659382 (VCV003659382.2).